The following is an entry in ClinVar:

NM_152564.5(VPS13B):c.2515G>C (p.Gly839Arg)

Gene: VPS13B (vacuolar protein sorting 13 homolog B; plus strand). Cytogenetic location: 8q22.2.
Variant type: single nucleotide variant.
Coding change: c.2515G>C on transcript NM_152564.5 (MANE Select); coding-DNA position 2515, G replaced by C.
Protein change: p.Gly839Arg; replaces glycine 839 with arginine.
Molecular consequence: missense variant.
Genome position (GRCh38, 1-based): chr8:99,193,057, G>C. VCF-style: chr8-99193057-G-C. GRCh37 (hg19) VCF-style: chr8-100205285-G-C.
Other names: c.2515G>C, p.Glu839Gln (NM_015243.3); c.2515G>C, p.Gly839Arg (NM_017890.5); short protein forms E839Q, G839R.
Identifiers: ClinVar variation 2033723 (VCV002033723.4), dbSNP rs2488955515, ClinGen allele CA371861844.
Genomic context (GRCh38, chr8:99,193,057, plus strand): 5'-GGAAATGTCAGCTCTTCCGCAGTGATTGAAGCTTTGATAAATGAAATCTTCCTAAGTATA[G>C]GTAAGAGCACAGTCTTTTTGATAACTATATGGAAAATTTGTGTTAGAGGCAACTAATATT-3'
Protein context (NP_689777.3, residues 829-849): ALINEIFLSI[Gly839Arg]VKSKNPLPTL

ClinVar aggregate classification (germline): Uncertain significance (1 of 4 stars; one submission).

Conditions:
Cohen syndrome (COH1). Also called: PEPPER SYNDROME; Cutis verticis gyrata, retinitis pigmentosa, and sensorineural deafness. Identifiers: Orphanet 193, MedGen C0265223, MONDO:0008999, OMIM 216550.

Submission:

Labcorp Genetics (formerly Invitae), Labcorp
Classification: Uncertain significance for Cohen syndrome. Last evaluated: 2022-10-02. Review status: criteria provided, single submitter. Criteria: Invitae Variant Classification Sherloc (09022015). Collection method: clinical testing. Allele origin: germline.
Comment: In summary, the available evidence is currently insufficient to determine the role of this variant in disease. Therefore, it has been classified as a Variant of Uncertain Significance. Variants that disrupt the consensus splice site are a relatively common cause of aberrant splicing (PMID: 17576681, 9536098). Algorithms developed to predict the effect of missense changes on protein structure and function are either unavailable or do not agree on the potential impact of this missense change (SIFT: "Not Available"; PolyPhen-2: "Probably Damaging"; Align-GVGD: "Not Available"). This variant has not been reported in the literature in individuals affected with VPS13B-related conditions. This variant is not present in population databases (gnomAD no frequency). This sequence change replaces glycine, which is neutral and non-polar, with arginine, which is basic and polar, at codon 839 of the VPS13B protein (p.Gly839Arg). This variant also falls at the last nucleotide of exon 17, which is part of the consensus splice site for this exon.

Literature cited by the submitters: PubMed 17576681; PubMed 9536098.